The following is an entry in ClinVar:

NM_000540.3(RYR1):c.2383C>T (p.Arg795Cys)

Gene: RYR1 (ryanodine receptor 1; plus strand). Cytogenetic location: 19q13.2.
Variant type: single nucleotide variant.
Coding change: c.2383C>T on transcript NM_000540.3 (MANE Select); coding-DNA position 2383, C replaced by T.
Protein change: p.Arg795Cys; replaces arginine 795 with cysteine.
Molecular consequence: missense variant.
Genome position (GRCh38, 1-based): chr19:38,460,397, C>T. VCF-style: chr19-38460397-C-T. GRCh37 (hg19) VCF-style: chr19-38951037-C-T.
Other names: c.2383C>T, p.Arg795Cys (NM_001042723.2); short protein forms R795C.
Identifiers: ClinVar variation 478212 (VCV000478212.47), dbSNP rs547608972, ClinGen allele CA063207.
Genomic context (GRCh38, chr19:38,460,397, plus strand): 5'-CCTCCCCTCAATGATCCCCATTGTCCTTCCTTACCCAGGGTGCGGTTCCTCCTTGGTGGC[C>T]GCCATGGTGAATTCAAGTTCCTGCCCCCACCTGGCTATGCTCCATGCCATGAGGCTGTGC-3'
Protein context (NP_000531.2, residues 785-805): GVKVRFLLGG[Arg795Cys]HGEFKFLPPP

ClinVar aggregate classification (germline): Uncertain significance. Review status: criteria provided, multiple submitters, no conflicts (2 of 4 stars). 15 submissions from 12 submitters: Uncertain significance (15). Last evaluated 2026-01-26.

Conditions:
Central core myopathy (CMYO1A). Also called: CONGENITAL MYOPATHY 1A, AUTOSOMAL DOMINANT, WITH SUSCEPTIBILITY TO MALIGNANT HYPERTHERMIA; Central core disease; Myopathy, central fibrillar. Identifiers: Orphanet 597, MedGen C5830701, MONDO:0007294, OMIM 117000.
Congenital multicore myopathy with external ophthalmoplegia (CMYO1B). Also called: Minicore myopathy with external ophthalmoplegia; Congenital myopathy 1B, autosomal recessive; Minicore myopathy; MULTICORE MYOPATHY; MULTIMINICORE DISEASE WITH EXTERNAL OPHTHALMOPLEGIA. Identifiers: Orphanet 598, Orphanet 98905, MedGen C1850674, MONDO:0009712, OMIM 255320, HP:0003789.
Congenital myopathy with fiber type disproportion. Also called: Congenital fiber-type disproportion myopathy; Congenital fiber-type disproportion. Identifiers: Orphanet 2020, MedGen C0546264, MONDO:0009711. Inheritance: all.
King Denborough syndrome (KDS). Identifiers: MedGen C1840365, MONDO:0020485, OMIM 619542.
Malignant hyperthermia, susceptibility to, 1 (MHS1). Also called: Malignant hyperthermia suceptibility 1; Anesthesia related hyperthermia; Malignant hyperpyrexia; Fulminating hyperpyrexia; Pharmacogenic myopathy; RYR1-Related Malignant Hyperthermia Susceptibility. Identifiers: Orphanet 423, MedGen C2930980, MONDO:0007783, OMIM 145600.
RYR1-related disorder. Also called: RYR1-related disorders; RYR1-related condition. Identifiers: MedGen CN239331.

Allele frequency attached by ClinVar (database versions not stated): gnomAD exomes 0.00008 and 0.00009; ExAC 0.00009; 1000 Genomes Project 30x 0.00016; 1000 Genomes Project 0.00020; gnomAD 0.00024 and 0.00026; TOPMed 0.00036.
gnomAD v4.1: 155 of 1,614,128 alleles (0.0096%); highest among the groups gnomAD compares: Admixed American, 0.052%; 1 homozygote.

Submissions (15):

Labcorp Genetics (formerly Invitae), Labcorp
Classification: Uncertain significance for RYR1-related disorder. Last evaluated: 2026-01-26. Review status: criteria provided, single submitter. Criteria: Invitae Variant Classification Sherloc (09022015). Collection method: clinical testing. Allele origin: germline.
Comment: This sequence change replaces arginine, which is basic and polar, with cysteine, which is neutral and slightly polar, at codon 795 of the RYR1 protein (p.Arg795Cys). This variant is present in population databases (rs547608972, gnomAD 0.01%). This missense change has been observed in individual(s) with clinical features of RYR1-related conditions (internal data). ClinVar contains an entry for this variant (Variation ID: 478212). Invitae Evidence Modeling of protein sequence and biophysical properties (such as structural, functional, and spatial information, amino acid conservation, physicochemical variation, residue mobility, and thermodynamic stability) has been performed for this missense variant. However, the output from this modeling did not meet the statistical confidence thresholds required to predict the impact of this variant on RYR1 protein function. In summary, the available evidence is currently insufficient to determine the role of this variant in disease. Therefore, it has been classified as a Variant of Uncertain Significance.

GeneDx
Classification: Uncertain significance. Last evaluated: 2025-12-18. Review status: criteria provided, single submitter. Criteria: GeneDx Variant Classification Process June 2021. Collection method: clinical testing. Allele origin: germline. Affected: yes.
Comment: In silico analysis supports that this missense variant has a deleterious effect on protein structure/function; Not observed at significant frequency in large population cohorts (gnomAD); This variant is associated with the following publications: (PMID: Etarhuni2024)

PreventionGenetics, part of Exact Sciences
Classification: Uncertain significance for RYR1-related condition. Last evaluated: 2025-09-15. Review status: criteria provided, single submitter. Criteria: ACMG Guidelines, 2015. Collection method: clinical testing. Allele origin: germline.
Comment: The RYR1 c.2383C>T variant is predicted to result in the amino acid substitution p.Arg795Cys. This variant has been reported in the homozygous state in two siblings with hypotonia and scoliosis. This variant is reported in 0.013% of alleles in individuals of European (non-Finnish) descent in gnomAD. Although we suspect this variant may be pathogenic for autosomal recessive RYR1-related disorders, at this time, the clinical significance of this variant is uncertain due to the absence of conclusive functional and genetic evidence.

Genomic Medicine Center of Excellence, King Faisal Specialist Hospital and Research Centre
Classification: Uncertain significance for Central core myopathy. Last evaluated: 2025-09-10. Review status: criteria provided, single submitter. Criteria: ACMG Guidelines, 2015. Collection method: clinical testing. Allele origin: germline.

Blueprint Genetics
Classification: Uncertain significance. Last evaluated: 2024-09-19. Review status: criteria provided, single submitter. Criteria: ACMG Guidelines, 2015. Collection method: clinical testing. Allele origin: germline.

Revvity Omics, Revvity
Classification: Uncertain significance. Last evaluated: 2024-09-10. Review status: criteria provided, single submitter. Criteria: ACMG Guidelines, 2015. Collection method: clinical testing. Allele origin: germline.

Women's Health and Genetics/Laboratory Corporation of America, LabCorp
Classification: Uncertain significance. Last evaluated: 2024-07-24. Review status: criteria provided, single submitter. Criteria: LabCorp Variant Classification Summary - May 2015. Collection method: clinical testing. Allele origin: germline.
Comment: Variant summary: RYR1 c.2383C>T (p.Arg795Cys) results in a non-conservative amino acid change located in the B30.2/SPRY domain (IPR001870) of the encoded protein sequence. Five of five in-silico tools predict a damaging effect of the variant on protein function. The variant allele was found at a frequency of 9.1e-05 in 251486 control chromosomes. This frequency is not significantly higher than estimated for a pathogenic variant in RYR1 causing Myopathy, RYR1-Associated, allowing no conclusion about variant significance. To our knowledge, no occurrence of c.2383C>T in individuals affected with Myopathy, RYR1-Associated and no experimental evidence demonstrating its impact on protein function have been reported. ClinVar contains an entry for this variant (Variation ID: 478212). Based on the evidence outlined above, the variant was classified as uncertain significance.

Color Diagnostics, LLC DBA Color Health
Classification: Uncertain significance for Malignant hyperthermia, susceptibility to, 1. Last evaluated: 2024-05-20. Review status: criteria provided, single submitter. Criteria: ACMG Guidelines, 2015. Collection method: clinical testing. Allele origin: germline.
Comment: This missense variant replaces arginine with cysteine at codon 795 of the RYR1 protein. Computational prediction is inconclusive regarding the impact of this variant on protein structure and function. To our knowledge, functional studies have not been reported for this variant. This variant has not been reported in individuals affected with RYR1-related disorders in the literature. This variant has been identified in 24/282866 chromosomes in the general population by the Genome Aggregation Database (gnomAD). The available evidence is insufficient to determine the role of this variant in disease conclusively. Therefore, this variant is classified as a Variant of Uncertain Significance.

CeGaT Center for Human Genetics Tuebingen
Classification: Uncertain significance. Last evaluated: 2022-11-01. Review status: criteria provided, single submitter. Criteria: CeGaT Center For Human Genetics Tuebingen Variant Classification Criteria Version 2. Collection method: clinical testing. Allele origin: germline. Affected: yes. Observed: 1 variant allele.
Comment: RYR1: PM2

MGZ Medical Genetics Center
Classification: Uncertain significance for Central core myopathy. Last evaluated: 2022-05-30. Review status: criteria provided, single submitter. Criteria: ACMG Guidelines, 2015. Collection method: clinical testing. Allele origin: germline. Affected: yes. Observed: 1 variant allele.
Comment: ACMG criteria applied: PM2_SUP, PP3

Fulgent Genetics
Classification: Uncertain significance for Central core myopathy; Malignant hyperthermia, susceptibility to, 1; Congenital myopathy 4A, autosomal dominant; Congenital multicore myopathy with external ophthalmoplegia; King Denborough syndrome. Last evaluated: 2021-07-23. Review status: criteria provided, single submitter. Criteria: ACMG Guidelines, 2015. Collection method: clinical testing. Allele origin: unknown.

Genomic Research Center, Shahid Beheshti University of Medical Sciences
Classification: Uncertain significance for Central core myopathy. Last evaluated: 2018-03-05. Review status: criteria provided, single submitter. Criteria: ACMG Guidelines, 2015. Collection method: clinical testing. Allele origin: inherited. Affected: yes. Observed: 1 variant allele.

Genomic Research Center, Shahid Beheshti University of Medical Sciences
Classification: Uncertain significance for Congenital multicore myopathy with external ophthalmoplegia. Last evaluated: 2018-03-05. Review status: criteria provided, single submitter. Criteria: ACMG Guidelines, 2015. Collection method: clinical testing. Allele origin: inherited. Affected: yes. Observed: 1 variant allele.

Genomic Research Center, Shahid Beheshti University of Medical Sciences
Classification: Uncertain significance for Malignant hyperthermia, susceptibility to, 1. Last evaluated: 2018-03-05. Review status: criteria provided, single submitter. Criteria: ACMG Guidelines, 2015. Collection method: clinical testing. Allele origin: inherited. Affected: yes. Observed: 1 variant allele.

Genomic Research Center, Shahid Beheshti University of Medical Sciences
Classification: Uncertain significance for Congenital myopathy with fiber type disproportion. Last evaluated: 2018-03-05. Review status: criteria provided, single submitter. Criteria: ACMG Guidelines, 2015. Collection method: clinical testing. Allele origin: inherited. Affected: yes. Observed: 1 variant allele.